The following is an entry in ClinVar:

ClinVar aggregate classification (germline): Uncertain significance (1 of 4 stars; one submission).

Conditions:
Inborn genetic diseases. Identifiers: MedGen C0950123, MeSH D030342.

Submission:

Ambry Genetics
Classification: Uncertain significance for Inborn genetic diseases. Last evaluated: 2025-09-02. Review status: criteria provided, single submitter. Criteria: Ambry Variant Classification Scheme 2023. Collection method: clinical testing. Allele origin: germline.
Comment: The p.F1994L variant (also known as c.5982T>G), located in coding exon 22 of the FANCM gene, results from a T to G substitution at nucleotide position 5982. The phenylalanine at codon 1994 is replaced by leucine, an amino acid with highly similar properties. This amino acid position is conserved. In addition, this alteration is predicted to be tolerated by in silico analysis. Based on the available evidence, the clinical significance of this variant remains unclear.

NM_020937.4(FANCM):c.5982T>G (p.Phe1994Leu)

Gene: FANCM (FA complementation group M; plus strand). Cytogenetic location: 14q21.2.
Variant type: single nucleotide variant.
Coding change: c.5982T>G on transcript NM_020937.4 (MANE Select); coding-DNA position 5982, T replaced by G.
Protein change: p.Phe1994Leu; replaces phenylalanine 1994 with leucine.
Molecular consequence: missense variant.
Genome position (GRCh38, 1-based): chr14:45,198,909, T>G. VCF-style: chr14-45198909-T-G. GRCh37 (hg19) VCF-style: chr14-45668112-T-G.
Other names: c.5904T>G, p.Phe1968Leu (NM_001308133.2); short protein forms F1968L, F1994L.
Identifiers: ClinVar variation 4254734 (VCV004254734.1).
Genomic context (GRCh38, chr14:45,198,909, plus strand): 5'-GTTTTATTTAAGTATTCCCAATATAAGTTATATAACTGCATTAAATATGTGTCACCAGTT[T>G]TCATCTGTGAAAAGGATGGCTAACAGGTATGTCTGTTGTAATATTTTTAAATGATTACTT-3'
Protein context (NP_065988.1, residues 1984-2004): YITALNMCHQ[Phe1994Leu]SSVKRMANSS